The following is an entry in ClinVar:

NM_004959.5(NR5A1):c.984del (p.Gln329fs)

Gene: NR5A1 (nuclear receptor subfamily 5 group A member 1; minus strand). Cytogenetic location: 9q33.3.
Variant type: Deletion.
Coding change: c.984del on transcript NM_004959.5 (MANE Select); coding-DNA position 984, one base deleted (G; older notation c.984delG).
Protein change: p.Gln329fs; shifts the reading frame from glutamine 329.
Molecular consequence: frameshift variant.
Genome position (GRCh38, 1-based): chr9:124,493,036, C deleted on the plus strand (G on the coding strand, the reverse complement: NR5A1 is on the minus strand); the first of 3 consecutive C bases (chr9:124,493,036-124,493,038); deleting any one gives the same sequence. VCF-style (leftmost placement, unchanged base first): chr9-124493035-GC-G. GRCh37 (hg19) VCF-style: chr9-127255314-GC-G.
Other names: short protein forms Q329fs.
Identifiers: ClinVar variation 1454827 (VCV001454827.6), dbSNP rs2131279850, ClinGen allele CA2573143851.
Genomic context (GRCh38, chr9:124,493,035, plus strand): 5'-AAGTGCACAGCGGGGCCAGGGCGGGGCCCAGGGGCGGGGCCGAGGGACTGGTCACCTCCT[GC>G]CCGGTGACCAGCAGGATGCTGCCCTCCTTGCCGTGCTGGACCTGGCGGTAGATGTGGTCG-3'

ClinVar aggregate classification (germline): Pathogenic (1 of 4 stars; one submission).

Conditions:
46 XY differences of sex development. Also called: 46, XY disorder of sex development (DSD); 46,XY disorder of sex development. Identifiers: Orphanet 98085, MedGen C2751824, MONDO:0020040.
Oligosynaptic infertility (SPGF1). Also called: SPERMATOGENIC FAILURE 1; OLIGOCHIASMATIC INFERTILITY. Identifiers: MedGen C0403810, MONDO:0009776, OMIM 258150.

Submission:

Labcorp Genetics (formerly Invitae), Labcorp
Classification: Pathogenic for 46 XY differences of sex development; Oligosynaptic infertility. Last evaluated: 2021-04-24. Review status: criteria provided, single submitter. Criteria: Invitae Variant Classification Sherloc (09022015). Collection method: clinical testing. Allele origin: germline.
Comment: For these reasons, this variant has been classified as Pathogenic. This variant has not been reported in the literature in individuals with NR5A1-related conditions. This variant is not present in population databases (ExAC no frequency). This sequence change creates a premature translational stop signal (p.Gln329Argfs*5) in the NR5A1 gene. It is expected to result in an absent or disrupted protein product. Loss-of-function variants in NR5A1 are known to be pathogenic (PMID: 10369247, 11038323, 12907682, 19246354, 20887963).

Literature cited by the submitters: PubMed 10369247; PubMed 11038323; PubMed 12907682; PubMed 19246354; PubMed 20887963.